The following is an entry in ClinVar:

NM_001127222.2(CACNA1A):c.5134-2A>C

Gene: CACNA1A (calcium voltage-gated channel subunit alpha1 A; minus strand). Cytogenetic location: 19p13.13.
Variant type: single nucleotide variant.
Coding change: c.5134-2A>C on transcript NM_001127222.2 (MANE Select); the canonical splice acceptor site of the intron before coding-DNA position 5134, A replaced by C.
Molecular consequence: splice acceptor variant.
Genome position (GRCh38, 1-based): chr19:13,235,038, T>G on the plus strand (A>C on the coding strand, the complement: CACNA1A is on the minus strand). VCF-style: chr19-13235038-T-G. GRCh37 (hg19) VCF-style: chr19-13345852-T-G.
Other names: c.5137-2A>C (NM_001127221.2); c.5143-2A>C (NM_001174080.2); c.5152-2A>C (NM_000068.4, NM_023035.3).
Identifiers: ClinVar variation 1745575 (VCV001745575.2), dbSNP rs2512644126, ClinGen allele CA404335786.

ClinVar aggregate classification (germline): Likely pathogenic (1 of 4 stars; one submission).

Conditions:
Inborn genetic diseases. Identifiers: MedGen C0950123, MeSH D030342.

Submission:

Ambry Genetics
Classification: Likely pathogenic for Inborn genetic diseases. Last evaluated: 2018-11-29. Review status: criteria provided, single submitter. Criteria: Ambry Variant Classification Scheme 2023. Collection method: clinical testing. Allele origin: germline.
Comment: The c.5137-2A>C intronic variant results from an A to C substitution two nucleotides upstream from coding exon 34 in the CACNA1A gene. This nucleotide position is highly conserved in available vertebrate species. Using the BDGP and ESEfinder splice site prediction tools, this alteration is predicted to abolish the native splice acceptor site; however, direct evidence is unavailable. Based on the majority of available evidence to date, this variant is likely to be pathogenic.